The following is an entry in ClinVar:

ClinVar aggregate classification (germline): Likely pathogenic. Review status: criteria provided, multiple submitters, no conflicts (2 of 4 stars). 2 submissions from 2 submitters: Likely pathogenic (2). Last evaluated 2025-07-31.

Conditions:
Dyskeratosis congenita, autosomal recessive 5 (DKCB5). Identifiers: MedGen C3554656, MONDO:0014076, OMIM 615190.

Allele frequency attached by ClinVar (database versions not stated): gnomAD exomes below 0.00001.
gnomAD v4.1: 1 of 1,613,820 alleles (0.000062%); highest among the groups gnomAD compares: Non-Finnish European, 0.000085%; no homozygotes.

Submissions (2):

Myriad Genetics, Inc.
Classification: Likely pathogenic for Dyskeratosis congenita, autosomal recessive 5. Last evaluated: 2025-07-31. Review status: criteria provided, single submitter. Criteria: Myriad Autosomal Dominant, Autosomal Recessive and X-Linked Classification Criteria (2023). Collection method: clinical testing. Allele origin: unknown.
Comment: NM_001283009.1(RTEL1):c.302-2A>G is a variant in a canonical splice site classified as likely pathogenic in the context of RTEL1-related disorders. c.302-2A>G has not been observed in cases with relevant disease. Relevant functional assessments of this variant are not available in the literature. c.302-2A>G has not been observed in referenced population frequency databases. In summary, NM_001283009.1(RTEL1):c.302-2A>G is a variant in a canonical splice site in a gene where loss of function is a known mechanism of disease and is predicted to disrupt protein function. Please note: this variant was assessed in the context of healthy population screening.

Baylor Genetics
Classification: Likely pathogenic for Dyskeratosis congenita, autosomal recessive 5. Last evaluated: 2023-10-10. Review status: criteria provided, single submitter. Criteria: ACMG Guidelines, 2015. Collection method: clinical testing. Allele origin: unknown.

NM_001283009.2(RTEL1):c.302-2A>G

Genes: RTEL1 (regulator of telomere elongation helicase 1; plus strand), RTEL1-TNFRSF6B (RTEL1-TNFRSF6B readthrough (NMD candidate); plus strand). Cytogenetic location: 20q13.33.
Variant type: single nucleotide variant.
Coding change: c.302-2A>G on transcript NM_001283009.2 (MANE Select); the canonical splice acceptor site of the intron before coding-DNA position 302, A replaced by G.
Molecular consequence: splice acceptor variant.
Genome position (GRCh38, 1-based): chr20:63,661,848, A>G. VCF-style: chr20-63661848-A-G. GRCh37 (hg19) VCF-style: chr20-62293201-A-G.
Other names: c.-368-2A>G (NM_001283010.1); c.302-2A>G (NM_032957.5, NM_016434.4).
Identifiers: ClinVar variation 2678460 (VCV002678460.2), dbSNP rs2516994367, ClinGen allele CA409668495.
Genomic context (GRCh38, chr20:63,661,848, plus strand): 5'-CTTTGATACGTGAGAACGTTGTCTGAGAACCGTGACTTCTGTGCTTGCTTGTGTCTGGTC[A>G]GCTTGCTACACGGACATCCCAAAGATTATTTACGCCTCCAGGACCCACTCGCAACTCACA-3'